The following is an entry in ClinVar:

NM_004974.4(KCNA2):c.1060C>T (p.Arg354Ter)

Gene: KCNA2 (potassium voltage-gated channel subfamily A member 2; minus strand). Cytogenetic location: 1p13.3.
Variant type: single nucleotide variant.
Coding change: c.1060C>T on transcript NM_004974.4 (MANE Select); coding-DNA position 1060, C replaced by T.
Protein change: p.Arg354Ter; replaces arginine 354 with a stop codon.
Molecular consequence: nonsense. On other transcripts: intron variant (1).
Genome position (GRCh38, 1-based): chr1:110,603,723, G>A on the plus strand (C>T on the coding strand, the complement: KCNA2 is on the minus strand). VCF-style: chr1-110603723-G-A. GRCh37 (hg19) VCF-style: chr1-111146345-G-A.
Other names: c.1060C>T (NM_004974.3); c.894+166C>T (NM_001204269.2); short protein forms R354*.
Identifiers: ClinVar variation 2101324 (VCV002101324.7), dbSNP rs1223478964, ClinGen allele CA341602094.

ClinVar aggregate classification (germline): Uncertain significance. Review status: criteria provided, multiple submitters, no conflicts (2 of 4 stars). 3 submissions from 3 submitters: Uncertain significance (3). Last evaluated 2025-12-08.

Conditions:
Developmental and epileptic encephalopathy, 32 (DEE32). Also called: Epileptic encephalopathy, early infantile, 32. Identifiers: Orphanet 442835, MedGen C4225350, MONDO:0014607, OMIM 616366.

Allele frequency attached by ClinVar (database versions not stated): gnomAD exomes below 0.00001.
gnomAD v4.1: 2 of 1,613,920 alleles (0.00012%); highest among the groups gnomAD compares: Admixed American, 0.0017%; no homozygotes.

Submissions (3):

GeneDx
Classification: Uncertain significance. Last evaluated: 2025-12-08. Review status: criteria provided, single submitter. Criteria: GeneDx Variant Classification Process June 2021. Collection method: clinical testing. Allele origin: germline.
Comment: Nonsense variant predicted to result in protein truncation, as the last 146 amino acids are lost, and other loss-of-function variants have been reported downstream in HGMD; Has not been previously published as pathogenic or benign to our knowledge

Women's Health and Genetics/Laboratory Corporation of America, LabCorp
Classification: Uncertain significance. Last evaluated: 2025-07-29. Review status: criteria provided, single submitter. Criteria: LabCorp Variant Classification Summary - May 2015. Collection method: clinical testing. Allele origin: germline.
Comment: Variant summary: KCNA2 c.1060C>T (p.Arg354X) results in a premature termination codon, predicted to cause a truncation of the encoded protein or absence of the protein due to nonsense mediated decay, however current evidence is not sufficient to establish loss of function as a mechanism for disease. The variant allele was found at a frequency of 4e-06 in 250958 control chromosomes. The available data on variant occurrences in the general population are insufficient to allow any conclusion about variant significance. To our knowledge, no occurrence of c.1060C>T in individuals affected with Developmental And Epileptic Encephalopathy, 32 and no experimental evidence demonstrating its impact on protein function have been reported. ClinVar contains an entry for this variant (Variation ID: 2101324). Based on the evidence outlined above, the variant was classified as uncertain significance.

Labcorp Genetics (formerly Invitae), Labcorp
Classification: Uncertain significance for Developmental and epileptic encephalopathy, 32. Last evaluated: 2022-02-24. Review status: criteria provided, single submitter. Criteria: Invitae Variant Classification Sherloc (09022015). Collection method: clinical testing. Allele origin: germline.
Comment: In summary, the available evidence is currently insufficient to determine the role of this variant in disease. Therefore, it has been classified as a Variant of Uncertain Significance. Experimental studies and prediction algorithms are not available or were not evaluated, and the functional significance of this variant is currently unknown. This variant has not been reported in the literature in individuals affected with KCNA2-related conditions. The frequency data for this variant in the population databases is considered unreliable, as metrics indicate poor data quality at this position in the gnomAD database. This sequence change creates a premature translational stop signal (p.Arg354*) in the KCNA2 gene. While this is not anticipated to result in nonsense mediated decay, it is expected to disrupt the last 146 amino acid(s) of the KCNA2 protein.